The following is an entry in ClinVar:

ClinVar aggregate classification (germline): Likely pathogenic (1 of 4 stars; one submission).

Conditions:
Meier-Gorlin syndrome 1 (MGORS1). Also called: EAR, PATELLA, SHORT STATURE SYNDROME. Identifiers: Orphanet 2554, MedGen C4552001, MONDO:0009143, OMIM 224690.

Submission:

Juno Genomics, Hangzhou Juno Genomics, Inc
Classification: Likely pathogenic for Meier-Gorlin syndrome 1. Review status: criteria provided, single submitter. Criteria: ACMG Guidelines, 2015. Collection method: clinical testing. Allele origin: germline.
Comment: Null variant in a gene where loss of function (LOF) is a known mechanism of disease.;Absent from controls (or at extremely low frequency if recessive) in Genome Aggregation Database.

NM_004153.4(ORC1):c.1753C>T (p.Gln585Ter)

Gene: ORC1 (origin recognition complex subunit 1; minus strand). Cytogenetic location: 1p32.3.
Variant type: single nucleotide variant.
Coding change: c.1753C>T on transcript NM_004153.4 (MANE Select); coding-DNA position 1753, C replaced by T.
Protein change: p.Gln585Ter; replaces glutamine 585 with a stop codon.
Molecular consequence: nonsense.
Genome position (GRCh38, 1-based): chr1:52,384,552, G>A on the plus strand (C>T on the coding strand, the complement: ORC1 is on the minus strand). VCF-style: chr1-52384552-G-A. GRCh37 (hg19) VCF-style: chr1-52850224-G-A.
Other names: c.1753C>T, p.Gln585Ter (NM_001190818.2); c.1738C>T, p.Gln580Ter (NM_001190819.2); short protein forms Q585*, Q580*.
Identifiers: ClinVar variation 5006830 (VCV005006830.2).
Genomic context (GRCh38, chr1:52,384,552, plus strand): 5'-TTTTTCATGTGTCACGAAGAAACAGCATTTTCCAAAAAGCCTAAACAGCTCTGCTTACCT[G>A]CAAGATTTGCACATAGACTTGGTGGGGCTCCGTCAGCTTCATGCCATTGACCTCAATGTA-3'